The following is an entry in ClinVar:

ClinVar aggregate classification (germline): Uncertain significance. Review status: criteria provided, multiple submitters, no conflicts (2 of 4 stars). 3 submissions from 3 submitters: Uncertain significance (3). Last evaluated 2024-07-10.

Conditions:
TRANSFERRIN SERUM LEVEL QUANTITATIVE TRAIT LOCUS 2 (TFQTL2). Identifiers: MedGen C3280096, OMIM 614193.
Familial porphyria cutanea tarda (PCT). Also called: PCT, TYPE II; PORPHYRIA CUTANEA TARDA, TYPE II; PORPHYRIA, HEPATOCUTANEOUS TYPE; UROD DEFICIENCY; UROPORPHYRINOGEN DECARBOXYLASE DEFICIENCY; PCT, ''FAMILIAL'' TYPE. Identifiers: Orphanet 101330, Orphanet 443062, MedGen C0268323, MONDO:0008296, OMIM 176100.
Microvascular complications of diabetes, susceptibility to, 7. Identifiers: MedGen C2673520, MONDO:0012971, OMIM 612635.
Variegate porphyria (VP). Also called: PPOX DEFICIENCY; PORPHYRIA, SOUTH AFRICAN TYPE; PROTOPORPHYRINOGEN OXIDASE DEFICIENCY. Identifiers: Orphanet 79473, MedGen C0162532, MONDO:0008297, OMIM 176200.
Hemochromatosis type 1 (HFE1). Also called: HFE-Associated Hereditary Hemochromatosis; HFE-Related Hemochromatosis. Identifiers: Orphanet 465508, MedGen C3469186, MONDO:0021001, OMIM 235200. Disease mechanism: loss of function.
Alzheimer disease type 1 (AD1). Also called: ALZHEIMER DISEASE, FAMILIAL, 1; ALZHEIMER DISEASE, FAMILIAL, 1, AUTOSOMAL RECESSIVE. Identifiers: MedGen C1863052, MONDO:0007088, OMIM 104300.
Hereditary hemochromatosis (HFE). Identifiers: MedGen C0392514, MONDO:0006507. Disease mechanism: loss of function.

Allele frequency attached by ClinVar (database versions not stated): gnomAD 0.00004 and 0.00005; TOPMed 0.00006; ExAC 0.00002.

Submissions (3):

Labcorp Genetics (formerly Invitae), Labcorp
Classification: Uncertain significance for Hereditary hemochromatosis. Last evaluated: 2024-07-10. Review status: criteria provided, single submitter. Criteria: Invitae Variant Classification Sherloc (09022015). Collection method: clinical testing. Allele origin: germline.
Comment: This sequence change replaces arginine, which is basic and polar, with tryptophan, which is neutral and slightly polar, at codon 226 of the HFE protein (p.Arg226Trp). This variant is present in population databases (rs781516027, gnomAD 0.03%). This missense change has been observed in individual(s) with hereditary hemochromatosis (PMID: 20722017). ClinVar contains an entry for this variant (Variation ID: 632481). Advanced modeling of protein sequence and biophysical properties (such as structural, functional, and spatial information, amino acid conservation, physicochemical variation, residue mobility, and thermodynamic stability) performed at Invitae indicates that this missense variant is not expected to disrupt HFE protein function with a negative predictive value of 80%. In summary, the available evidence is currently insufficient to determine the role of this variant in disease. Therefore, it has been classified as a Variant of Uncertain Significance.

Genome-Nilou Lab
Classification: Uncertain significance for Hemochromatosis type 1. Last evaluated: 2023-02-08. Review status: criteria provided, single submitter. Criteria: ACMG Guidelines, 2015. Collection method: clinical testing. Allele origin: germline.

Fulgent Genetics
Classification: Uncertain significance for Alzheimer disease type 1; Familial porphyria cutanea tarda; Variegate porphyria; Hemochromatosis type 1; Microvascular complications of diabetes, susceptibility to, 7; TRANSFERRIN SERUM LEVEL QUANTITATIVE TRAIT LOCUS 2. Last evaluated: 2021-12-08. Review status: criteria provided, single submitter. Criteria: ACMG Guidelines, 2015. Collection method: clinical testing. Allele origin: unknown.

Literature cited by the submitters: PubMed 20722017 (cited by Labcorp Genetics (formerly Invitae), Labcorp).

NM_000410.4(HFE):c.676C>T (p.Arg226Trp)

Gene: HFE (homeostatic iron regulator; plus strand). Cytogenetic location: 6p22.2.
Variant type: single nucleotide variant.
Coding change: c.676C>T on transcript NM_000410.4 (MANE Select); coding-DNA position 676, C replaced by T.
Protein change: p.Arg226Trp; replaces arginine 226 with tryptophan.
Molecular consequence: missense variant. On other transcripts: intron variant (1).
Genome position (GRCh38, 1-based): chr6:26,092,744, C>T. VCF-style: chr6-26092744-C-T. GRCh37 (hg19) VCF-style: chr6-26092972-C-T.
Other names: c.676C>T, p.Arg226Trp (NM_001300749.3, NM_001384164.1); c.667C>T, p.Arg223Trp (NM_001406751.1); c.412C>T, p.Arg138Trp (NM_001406752.1, NM_139007.3); c.358C>T, p.Arg120Trp (NM_139003.3); c.400C>T, p.Arg134Trp (NM_139004.3); c.634C>T, p.Arg212Trp (NM_139006.3); c.370C>T, p.Arg124Trp (NM_139008.3); c.607C>T, p.Arg203Trp (NM_139009.3); and 2 more; short protein forms R226W, R138W, R212W, R46W, R124W, R203W, R120W, R134W.
Identifiers: ClinVar variation 632481 (VCV000632481.9), dbSNP rs781516027, ClinGen allele CA3666715.